The following is an entry in ClinVar:

ClinVar aggregate classification (germline): Conflicting classifications of pathogenicity. Review status: criteria provided, conflicting classifications (1 of 4 stars). 23 submissions from 23 submitters: Uncertain significance (2); Benign (1); Likely benign (12). 8 of the submissions do not count toward it. Last evaluated 2026-03-10.

Conditions:
Classic or attenuated familial adenomatous polyposis. Identifiers: MedGen CN372698, MONDO:0021057.
APC-related disorder. Also called: APC-related condition.
APC-Associated Polyposis Disorders.
Hereditary cancer-predisposing syndrome. Also called: Hereditary neoplastic syndrome; Tumor predisposition; Hereditary Cancer Syndrome; Neoplastic Syndromes, Hereditary. Identifiers: Orphanet 140162, MedGen C0027672, MeSH D009386, MONDO:0015356.
Familial adenomatous polyposis 1 (FAP1). Also called: FAMILIAL ADENOMATOUS POLYPOSIS 1, ATTENUATED; POLYPOSIS, ADENOMATOUS INTESTINAL. Identifiers: MedGen C2713442, MONDO:0021056, OMIM 175100. Disease mechanism: loss of function.
Carcinoma of colon (CRC). Also called: Colonic carcinoma; Colon carcinoma. Identifiers: MedGen C0699790, MONDO:0002032.

Allele frequency attached by ClinVar (database versions not stated): TOPMed 0.00010; ExAC 0.00012; gnomAD 0.00012 and 0.00013; gnomAD exomes 0.00015; 1000 Genomes Project 0.00040; ESP Exome Variant Server 0.00046; 1000 Genomes Project 30x 0.00062.
gnomAD v4.1: 374 of 1,613,966 alleles (0.023%); highest among the groups gnomAD compares: Non-Finnish European, 0.03%; no homozygotes.

Submissions 1 to 19 of 23:

PreventionGenetics, part of Exact Sciences
Classification: Likely benign for APC-related condition. Last evaluated: 2026-03-10. Review status: criteria provided, single submitter. Criteria: ACMG Guidelines, 2015. Collection method: clinical testing. Allele origin: germline.
Comment: This variant is classified as likely benign based on ACMG/AMP sequence variant interpretation guidelines (Richards et al. 2015 PMID: 25741868, with internal and published modifications).

Women's Health and Genetics/Laboratory Corporation of America, LabCorp
Classification: Likely benign. Last evaluated: 2026-03-02. Review status: criteria provided, single submitter. Criteria: LabCorp Variant Classification Summary - May 2015. Collection method: clinical testing. Allele origin: germline.
Comment: Variant summary: APC c.6873A>T (p.Gln2291His) results in a non-conservative amino acid change located in the basic domain (IPR009234) of the encoded protein sequence. Algorithms developed to predict the effect of missense changes on protein structure and function are either unavailable or do not agree on the potential impact of this missense change. The variant allele was found at a frequency of 0.00015 in 250976 control chromosomes, predominantly at a frequency of 0.00031 within the Non-Finnish European subpopulation in the gnomAD database. The observed variant frequency within Non-Finnish European control individuals in the gnomAD database exceeds the estimated maximal expected allele frequency for disease-causing variants in APC. c.6873A>T has been observed in individuals affected with colorectal, endometrial, pancreatic, and ovarian cancers (e.g. Yurgelun_2017, Ring_2016, Grant_2015, Bhai_2021) and atherosclerosis (no information regarding cancer history, Johnson_2012). These reports do not provide unequivocal conclusions about association of the variant with Familial Adenomatous Polyposis. To our knowledge, no experimental evidence demonstrating an impact on protein function has been reported. The following publications have been ascertained in the context of this evaluation (PMID: 34326862, 25479140, 22703879, 27443514, 25722345, 28135145). ClinVar contains an entry for this variant (Variation ID: 41534). Based on the evidence outlined above, the variant was classified as likely benign.

Labcorp Genetics (formerly Invitae), Labcorp
Classification: Likely benign for Familial adenomatous polyposis 1. Last evaluated: 2026-02-03. Review status: criteria provided, single submitter. Criteria: Invitae Variant Classification Sherloc (09022015). Collection method: clinical testing. Allele origin: germline.

Center for Genomic Medicine, Rigshospitalet, Copenhagen University Hospital
Classification: Likely benign. Last evaluated: 2025-12-29. Review status: criteria provided, single submitter. Criteria: ACMG Guidelines, 2015. Collection method: clinical testing. Allele origin: germline.
Comment: Classification criteria: BS1

Mendelics
Classification: Likely benign for Familial adenomatous polyposis 1. Last evaluated: 2025-06-23. Review status: criteria provided, single submitter. Criteria: ACMG Guidelines, 2015. Collection method: clinical testing. Allele origin: unknown.
Comment: This variant is considered likely benign or benign based on one or more of the following: it is predicted to be benign by multiple in silico algorithms, and/or has population frequency not consistent with disease, and/or has normal protein function, and/or has lack of segregation with disease, and/or has been detected in co-occurrence with known pathogenic variant, and/or has lack of disease association in case-control studies, and/or is located in a region inconsistent with a known cause of pathogenicity.

Myriad Genetics, Inc.
Classification: Likely benign for Familial adenomatous polyposis 1. Last evaluated: 2025-01-27. Review status: criteria provided, single submitter. Criteria: Myriad Autosomal Dominant, Autosomal Recessive and X-Linked Classification Criteria (2023). Collection method: clinical testing. Allele origin: unknown.
Comment: This variant is considered likely benign. This variant has been observed at a population frequency that is significantly greater than expected given the associated disease prevalence and penetrance.

Color Diagnostics, LLC DBA Color Health
Classification: Likely benign for Hereditary cancer-predisposing syndrome. Last evaluated: 2024-09-24. Review status: criteria provided, single submitter. Criteria: ACMG Guidelines, 2015. Collection method: clinical testing. Allele origin: germline.

All of Us Research Program, National Institutes of Health
Classification: Likely benign for Classic or attenuated familial adenomatous polyposis. Last evaluated: 2024-09-23. Review status: criteria provided, single submitter. Criteria: ACMG Guidelines, 2015. Collection method: clinical testing. Allele origin: germline. Inheritance: Autosomal dominant inheritance. Observed: 60 variant alleles, 60 heterozygotes.
Comment: This study involves interpretation of variants in research participants for the purpose of population health screening. Participant phenotype was not available at the time of variant classification. Additional details can be found in publication PMID: 35346344, PMCID: PMC8962531

Blueprint Genetics
Classification: Likely benign. Last evaluated: 2023-11-07. Review status: criteria provided, single submitter. Criteria: ACMG Guidelines, 2015. Collection method: clinical testing. Allele origin: germline.

Sema4
Classification: Likely benign for Hereditary cancer-predisposing syndrome. Last evaluated: 2022-01-30. Review status: criteria provided, single submitter. Criteria: Sema4 Curation Guidelines. Collection method: curation. Allele origin: germline.

GeneDx
Classification: Likely benign. Last evaluated: 2021-06-25. Review status: criteria provided, single submitter. Criteria: GeneDx Variant Classification Process June 2021. Collection method: clinical testing. Allele origin: germline. Affected: yes.
Comment: This variant is associated with the following publications: (PMID: 22703879, 27443514, 28135145, 28873162, 27600092, 25479140)

Quest Diagnostics Nichols Institute San Juan Capistrano
Classification: Likely benign. Last evaluated: 2021-04-15. Review status: criteria provided, single submitter. Criteria: Quest Diagnostics criteria. Collection method: clinical testing. Allele origin: unknown.

Illumina Laboratory Services, Illumina
Classification: Uncertain significance for APC-Associated Polyposis Disorders. Last evaluated: 2018-01-12. Review status: criteria provided, single submitter. Criteria: ICSL Variant Classification Criteria 13 December 2019. Collection method: clinical testing. Allele origin: germline.

Laboratory for Molecular Medicine, Mass General Brigham Personalized Medicine
Classification: Uncertain significance. Last evaluated: 2016-12-28. Review status: criteria provided, single submitter. Criteria: LMM Criteria. Collection method: clinical testing. Allele origin: germline. Observed: 3 variant alleles.
Comment: The p.Gln2291His variant in APC has been reported in 1 individual with atheroscl erosis (Johnston 2012), but has also been identified in 14/66516 European chromo somes by the Exome Aggregation Consortium (ExAC; dbSNP rs148878262). Computational prediction tools and conservation analysis su ggest that the p.Gln2291His variant may not impact the protein, though this info rmation is not predictive enough to rule out pathogenicity. This variant is list ed in ClinVar with multiple submitters classifying it as a variant of uncertain significance (ClinVar ID: 41534). In summary, the clinical significance of the p.Gln2291His variant is uncertain.

Ambry Genetics
Classification: Benign for Hereditary cancer-predisposing syndrome. Last evaluated: 2014-11-28. Review status: criteria provided, single submitter. Criteria: Ambry Variant Classification Scheme 2023. Collection method: clinical testing. Allele origin: germline.

True Health Diagnostics
Classification: Likely benign for Hereditary cancer-predisposing syndrome. Last evaluated: 2017-12-01. Review status: no assertion criteria provided. Collection method: clinical testing. Allele origin: germline. Not counted in ClinVar's aggregate classification.

Counsyl
Classification: Uncertain significance for Familial adenomatous polyposis 1. Last evaluated: 2016-07-26. Review status: no assertion criteria provided. Collection method: clinical testing. Allele origin: unknown. Not counted in ClinVar's aggregate classification.

Biesecker Lab/Clinical Genomics Section, National Institutes of Health
Classification: Uncertain significance. Last evaluated: 2012-07-13. Review status: no assertion criteria provided. Collection method: research. Allele origin: germline. Affected: no. Observed: 1 variant allele. Study: ClinSeq. Not counted in ClinVar's aggregate classification.
ClinVar note: Converted during submission from variant of unknown significance to Uncertain significance.

Clinical Genetics, Academic Medical Center
Classification: Likely benign. Review status: no assertion criteria provided. Collection method: clinical testing. Allele origin: germline. Affected: yes. Study: VKGL Data-share Consensus. Not counted in ClinVar's aggregate classification.

NM_000038.6(APC):c.6873A>T (p.Gln2291His)

Gene: APC (APC regulator of Wnt signaling pathway; plus strand). Cytogenetic location: 5q22.2.
Variant type: single nucleotide variant.
Coding change: c.6873A>T on transcript NM_000038.6 (MANE Select); coding-DNA position 6873, A replaced by T.
Protein change: p.Gln2291His; replaces glutamine 2291 with histidine.
Molecular consequence: missense variant.
Genome position (GRCh38, 1-based): chr5:112,842,467, A>T. VCF-style: chr5-112842467-A-T. GRCh37 (hg19) VCF-style: chr5-112178164-A-T.
Other names: p.Q2291H:CAA>CAT; c.6873A>T, p.Gln2291His (NM_001127510.3, NM_001354895.2); c.6819A>T, p.Gln2273His (NM_001127511.3); c.6927A>T, p.Gln2309His (NM_001354896.2); c.6903A>T, p.Gln2301His (NM_001354897.2); c.6798A>T, p.Gln2266His (NM_001354898.2); c.6789A>T, p.Gln2263His (NM_001354899.2); c.6750A>T, p.Gln2250His (NM_001354900.2); and 6 more; short protein forms Q2291H, Q2273H, Q2131H, Q2266H, Q2301H, Q2008H, Q2165H, Q2190H.
Identifiers: ClinVar variation 41534 (VCV000041534.72), dbSNP rs148878262, ClinGen allele CA012603.